The following is an entry in ClinVar:

NM_001386140.1(MTTP):c.640del (p.Ala214fs)

Gene: MTTP (microsomal triglyceride transfer protein; plus strand). Cytogenetic location: 4q23.
Variant type: Deletion.
Coding change: c.640del on transcript NM_001386140.1 (MANE Select); coding-DNA position 640, one base deleted (G; older notation c.640delG).
Protein change: p.Ala214fs; shifts the reading frame from alanine 214.
Molecular consequence: frameshift variant.
Genome position (GRCh38, 1-based): chr4:99,591,672, G deleted. VCF-style (leftmost placement, unchanged base first): chr4-99591671-AG-A. GRCh37 (hg19) VCF-style: chr4-100512828-AG-A.
Other names: c.640del, p.Ala214fs (NM_000253.4); c.391del, p.Ala131fs (NM_001300785.2); short protein forms A131fs, A214fs.
Identifiers: ClinVar variation 1687508 (VCV001687508.2), dbSNP rs2110218614, ClinGen allele CA2573138512.

ClinVar aggregate classification (germline): Pathogenic. Review status: criteria provided, multiple submitters, no conflicts (2 of 4 stars). 2 submissions from 2 submitters: Pathogenic (2). Last evaluated 2024-01-08.

Conditions:
MTTP-related disorder. Also called: MTTP-related condition.
Abetalipoproteinaemia (ABL). Also called: MTP DEFICIENCY; Abetalipoproteinemia; Abetalipoproteinemia neuropathy; Apolipoprotein B deficiency; Congenital betalipoprotein deficiency syndrome. Identifiers: Orphanet 14, MedGen C0000744, MONDO:0008692, OMIM 200100, HP:0008181.

Allele frequency attached by ClinVar (database versions not stated): gnomAD exomes below 0.00001.

Submissions (2):

Blueprint Genetics
Classification: Pathogenic for MTTP-related disorders. Last evaluated: 2024-01-08. Review status: criteria provided, single submitter. Criteria: ACMG Guidelines, 2015. Collection method: clinical testing. Allele origin: germline. Affected: yes. Observed: 1 variant allele.

3billion
Classification: Pathogenic for Abetalipoproteinaemia. Last evaluated: 2022-05-22. Review status: criteria provided, single submitter. Criteria: ACMG Guidelines, 2015. Collection method: clinical testing. Allele origin: germline. Affected: yes. Observed: 1 homozygote.
Comment: The variant is not observed in the gnomAD v2.1.1 dataset. Frameshift: predicted to result in a loss or disruption of normal protein function through nonsense-mediated decay (NMD) or protein truncation. Multiple pathogenic variants are reported downstream of the variant. Therefore, this variant is classified as pathogenic according to the recommendation of ACMG/AMP guideline.